The following is an entry in ClinVar:

ClinVar aggregate classification (germline): Likely benign. Review status: criteria provided, multiple submitters, no conflicts (2 of 4 stars). 2 submissions from 2 submitters: Likely benign (2). Last evaluated 2025-11-03.

Allele frequency attached by ClinVar (database versions not stated): gnomAD 0.00001; gnomAD exomes 0.00001 and 0.00006; TOPMed 0.00001; ExAC 0.00007.
gnomAD v4.1: 19 of 1,614,120 alleles (0.0012%); highest among the groups gnomAD compares: Admixed American, 0.02%; no homozygotes.

Submissions (2):

Labcorp Genetics (formerly Invitae), Labcorp
Classification: Likely benign. Last evaluated: 2025-11-03. Review status: criteria provided, single submitter. Criteria: Invitae Variant Classification Sherloc (09022015). Collection method: clinical testing. Allele origin: germline.

CeGaT Center for Human Genetics Tuebingen
Classification: Likely benign. Last evaluated: 2025-02-01. Review status: criteria provided, single submitter. Criteria: CeGaT Center For Human Genetics Tuebingen Variant Classification Criteria Version 2. Collection method: clinical testing. Allele origin: germline. Affected: yes. Observed: 1 variant allele.
Comment: REST: BP4, BP7

NM_005612.5(REST):c.1146A>G (p.Leu382=)

Gene: REST (RE1 silencing transcription factor; plus strand). Cytogenetic location: 4q12.
Variant type: single nucleotide variant.
Coding change: c.1146A>G on transcript NM_005612.5 (MANE Select); coding-DNA position 1146, A replaced by G.
Protein change: p.Leu382=; no amino-acid change (leucine 382 retained).
Molecular consequence: synonymous variant.
Genome position (GRCh38, 1-based): chr4:56,930,004, A>G. VCF-style: chr4-56930004-A-G. GRCh37 (hg19) VCF-style: chr4-57796170-A-G.
Other names: c.1146A>G, p.Leu382= (NM_001193508.2, NM_001363453.3).
Identifiers: ClinVar variation 744786 (VCV000744786.20), dbSNP rs770547424, ClinGen allele CA2932219.